The following is an entry in ClinVar:

NM_022464.5(SIL1):c.1010A>G (p.Tyr337Cys)

Gene: SIL1 (SIL1 nucleotide exchange factor; minus strand). Cytogenetic location: 5q31.2.
Variant type: single nucleotide variant.
Coding change: c.1010A>G on transcript NM_022464.5 (MANE Select); coding-DNA position 1010, A replaced by G.
Protein change: p.Tyr337Cys; replaces tyrosine 337 with cysteine.
Molecular consequence: missense variant.
Genome position (GRCh38, 1-based): chr5:138,951,190, T>C on the plus strand (A>G on the coding strand, the complement: SIL1 is on the minus strand). VCF-style: chr5-138951190-T-C. GRCh37 (hg19) VCF-style: chr5-138286879-T-C.
Other names: c.1010A>G, p.Tyr337Cys (NM_001037633.2); short protein forms Y337C.
Identifiers: ClinVar variation 1947849 (VCV001947849.5), dbSNP rs762543125, ClinGen allele CA3432416.

ClinVar aggregate classification (germline): Uncertain significance (1 of 4 stars; one submission).

Conditions:
Marinesco-Sjögren syndrome (MSS). Also called: Marinesco-SjÃ¶gren syndrome; Marinesco-Sjogren Syndrome. Identifiers: Orphanet 559, MedGen C0024814, MONDO:0009567, OMIM 248800.

Allele frequency attached by ClinVar (database versions not stated): gnomAD exomes below 0.00001; ExAC 0.00001; gnomAD 0.00001; TOPMed 0.00001.
gnomAD v4.1: 4 of 1,611,474 alleles (0.00025%); highest among the groups gnomAD compares: African/African-American, 0.0013%; no homozygotes.

Submission:

Labcorp Genetics (formerly Invitae), Labcorp
Classification: Uncertain significance for Marinesco-Sjögren syndrome. Last evaluated: 2025-04-14. Review status: criteria provided, single submitter. Criteria: Invitae Variant Classification Sherloc (09022015). Collection method: clinical testing. Allele origin: germline.
Comment: This sequence change replaces tyrosine, which is neutral and polar, with cysteine, which is neutral and slightly polar, at codon 337 of the SIL1 protein (p.Tyr337Cys). This variant is present in population databases (rs762543125, gnomAD 0.009%). This variant has not been reported in the literature in individuals affected with SIL1-related conditions. ClinVar contains an entry for this variant (Variation ID: 1947849). Invitae Evidence Modeling of protein sequence and biophysical properties (such as structural, functional, and spatial information, amino acid conservation, physicochemical variation, residue mobility, and thermodynamic stability) indicates that this missense variant is not expected to disrupt SIL1 protein function with a negative predictive value of 80%. In summary, the available evidence is currently insufficient to determine the role of this variant in disease. Therefore, it has been classified as a Variant of Uncertain Significance.